The following is an entry in ClinVar:

NM_000891.3(KCNJ2):c.215T>C (p.Ile72Thr)

Gene: KCNJ2 (potassium inwardly rectifying channel subfamily J member 2; plus strand). Cytogenetic location: 17q24.3.
Variant type: single nucleotide variant.
Coding change: c.215T>C on transcript NM_000891.3 (MANE Select); coding-DNA position 215, T replaced by C.
Protein change: p.Ile72Thr; replaces isoleucine 72 with threonine.
Molecular consequence: missense variant.
Genome position (GRCh38, 1-based): chr17:70,175,254, T>C. VCF-style: chr17-70175254-T-C. GRCh37 (hg19) VCF-style: chr17-68171395-T-C.
Other names: short protein forms I72T.
Identifiers: ClinVar variation 3759170 (VCV003759170.2).
Genomic context (GRCh38, chr17:70,175,254, plus strand): 5'-GCCACTGTAATGTTCAGTTCATCAATGTGGGTGAGAAGGGGCAACGGTACCTCGCAGACA[T>C]CTTCACCACGTGTGTGGACATTCGCTGGCGGTGGATGCTGGTTATCTTCTGCCTGGCTTT-3'
Protein context (NP_000882.1, residues 62-82): GEKGQRYLAD[Ile72Thr]FTTCVDIRWR

ClinVar aggregate classification (germline): Uncertain significance (1 of 4 stars; one submission).

Conditions:
Andersen Tawil syndrome (LQT7). Also called: ANDERSEN CARDIODYSRHYTHMIC PERIODIC PARALYSIS; LONG QT SYNDROME 7; PERIODIC PARALYSIS, POTASSIUM-SENSITIVE CARDIODYSRHYTHMIC TYPE; Potassium-sensitive periodic paralysis, ventricular ectopy, and dysmorphic features; Andersen Syndrome. Identifiers: Orphanet 37553, MedGen C1563715, MONDO:0008222, OMIM 170390.
Short QT syndrome type 3. Identifiers: Orphanet 51083, MedGen C1865018, MONDO:0012314, OMIM 609622.

Submission:

Labcorp Genetics (formerly Invitae), Labcorp
Classification: Uncertain significance for Short QT syndrome type 3; Andersen Tawil syndrome. Last evaluated: 2024-12-31. Review status: criteria provided, single submitter. Criteria: Invitae Variant Classification Sherloc (09022015). Collection method: clinical testing. Allele origin: germline.
Comment: This sequence change replaces isoleucine, which is neutral and non-polar, with threonine, which is neutral and polar, at codon 72 of the KCNJ2 protein (p.Ile72Thr). This variant is not present in population databases (gnomAD no frequency). This variant has not been reported in the literature in individuals affected with KCNJ2-related conditions. Invitae Evidence Modeling of protein sequence and biophysical properties (such as structural, functional, and spatial information, amino acid conservation, physicochemical variation, residue mobility, and thermodynamic stability) has been performed for this missense variant. However, the output from this modeling did not meet the statistical confidence thresholds required to predict the impact of this variant on KCNJ2 protein function. In summary, the available evidence is currently insufficient to determine the role of this variant in disease. Therefore, it has been classified as a Variant of Uncertain Significance.